The following is an entry in ClinVar:

ClinVar aggregate classification (germline): Uncertain significance (1 of 4 stars; one submission).

Conditions:
Primary ciliary dyskinesia. Also called: Ciliary dyskinesia. Identifiers: Orphanet 244, MedGen C0008780, MONDO:0016575, HP:0012265.

gnomAD v4.1: 1 of 1,584,304 alleles (0.000063%); highest among the groups gnomAD compares: Admixed American, 0.0018%; no homozygotes.

Submission:

Labcorp Genetics (formerly Invitae), Labcorp
Classification: Uncertain significance for Primary ciliary dyskinesia. Last evaluated: 2022-02-10. Review status: criteria provided, single submitter. Criteria: Invitae Variant Classification Sherloc (09022015). Collection method: clinical testing. Allele origin: germline.
Comment: This sequence change falls in intron 47 of the DNAH11 gene. It does not directly change the encoded amino acid sequence of the DNAH11 protein. It affects a nucleotide within the consensus splice site. This variant is present in population databases (rs760682637, gnomAD 0.004%). This variant has not been reported in the literature in individuals affected with DNAH11-related conditions. In summary, the available evidence is currently insufficient to determine the role of this variant in disease. Therefore, it has been classified as a Variant of Uncertain Significance. Variants that disrupt the consensus splice site are a relatively common cause of aberrant splicing (PMID: 17576681, 9536098). Algorithms developed to predict the effect of sequence changes on RNA splicing suggest that this variant may disrupt the consensus splice site.

Literature cited by the submitters: PubMed 17576681; PubMed 9536098.

NM_001277115.2(DNAH11):c.7811+5G>C

Gene: DNAH11 (dynein axonemal heavy chain 11; plus strand). Cytogenetic location: 7p15.3.
Variant type: single nucleotide variant.
Coding change: c.7811+5G>C on transcript NM_001277115.2 (MANE Select); 5 bases into the intron after coding-DNA position 7811, G replaced by C.
Molecular consequence: intron variant.
Genome position (GRCh38, 1-based): chr7:21,738,871, G>C. VCF-style: chr7-21738871-G-C. GRCh37 (hg19) VCF-style: chr7-21778489-G-C.
Identifiers: ClinVar variation 2173895 (VCV002173895.4), dbSNP rs760682637, ClinGen allele CA4181355.
Genomic context (GRCh38, chr7:21,738,871, plus strand): 5'-TATGGCACCGTTCAGCCTCACACCCTGATCCGGCAGCATATTGATTATGGACATTGGTAA[G>C]CAAGTCTCTGTAGTTTACTCTCTCCCAAAATCTAATAATTATTATGGATAATAATTACTA-3'